The following is an entry in ClinVar:

ClinVar aggregate classification (germline): Uncertain significance (1 of 4 stars; one submission).

Submission:

Labcorp Genetics (formerly Invitae), Labcorp
Classification: Uncertain significance. Last evaluated: 2024-07-16. Review status: criteria provided, single submitter. Criteria: Invitae Variant Classification Sherloc (09022015). Collection method: clinical testing. Allele origin: germline.
Comment: This sequence change replaces lysine, which is basic and polar, with asparagine, which is neutral and polar, at codon 378 of the ALPK3 protein (p.Lys378Asn). This variant is not present in population databases (gnomAD no frequency). This variant has not been reported in the literature in individuals affected with ALPK3-related conditions. An algorithm developed to predict the effect of missense changes on protein structure and function (PolyPhen-2) suggests that this variant is likely to be disruptive. In summary, the available evidence is currently insufficient to determine the role of this variant in disease. Therefore, it has been classified as a Variant of Uncertain Significance.

NM_020778.5(ALPK3):c.528G>T (p.Lys176Asn)

Gene: ALPK3 (alpha kinase 3; plus strand). Cytogenetic location: 15q25.3.
Variant type: single nucleotide variant.
Coding change: c.528G>T on transcript NM_020778.5 (MANE Select); coding-DNA position 528, G replaced by T.
Protein change: p.Lys176Asn; replaces lysine 176 with asparagine.
Molecular consequence: missense variant.
Genome position (GRCh38, 1-based): chr15:84,839,807, G>T. VCF-style: chr15-84839807-G-T. GRCh37 (hg19) VCF-style: chr15-85383038-G-T.
Other names: short protein forms K176N.
Identifiers: ClinVar variation 3701742 (VCV003701742.2).